The following is an entry in ClinVar:

NM_000426.4(LAMA2):c.2441C>T (p.Pro814Leu)

Gene: LAMA2 (laminin subunit alpha 2; plus strand). Cytogenetic location: 6q22.33.
Variant type: single nucleotide variant.
Coding change: c.2441C>T on transcript NM_000426.4 (MANE Select); coding-DNA position 2441, C replaced by T.
Protein change: p.Pro814Leu; replaces proline 814 with leucine.
Molecular consequence: missense variant.
Genome position (GRCh38, 1-based): chr6:129,270,742, C>T. VCF-style: chr6-129270742-C-T. GRCh37 (hg19) VCF-style: chr6-129591887-C-T.
Other names: c.2441C>T, p.Pro814Leu (NM_001079823.2); short protein forms P814L.
Identifiers: ClinVar variation 1490505 (VCV001490505.5), dbSNP rs2114357411, ClinGen allele CA365609239.
Genomic context (GRCh38, chr6:129,270,742, plus strand): 5'-GCGAGCCTACTAAAGGAACCTCTGAAGACTGTCAACCCTGTGCCTGTCCACTCAATATCC[C>T]ATCCAATAAGTAAGTAACAAACTTACCCCATGAATAAGCTCAGCATCCATTTCTGCAAGT-3'
Protein context (NP_000417.3, residues 804-824): CQPCACPLNI[Pro814Leu]SNNFSPTCHL

ClinVar aggregate classification (germline): Uncertain significance (1 of 4 stars; one submission).

Conditions:
LAMA2-related muscular dystrophy (LAMA2-RD). Also called: Laminin alpha 2-related dystrophy. Identifiers: MedGen C5679788, MONDO:0100228.

Allele frequency attached by ClinVar (database versions not stated): gnomAD exomes below 0.00001.

Submission:

Labcorp Genetics (formerly Invitae), Labcorp
Classification: Uncertain significance for LAMA2-related muscular dystrophy. Last evaluated: 2021-09-01. Review status: criteria provided, single submitter. Criteria: Invitae Variant Classification Sherloc (09022015). Collection method: clinical testing. Allele origin: germline.
Comment: This sequence change replaces proline with leucine at codon 814 of the LAMA2 protein (p.Pro814Leu). The proline residue is moderately conserved and there is a moderate physicochemical difference between proline and leucine. This variant is not present in population databases (ExAC no frequency). This variant has not been reported in the literature in individuals affected with LAMA2-related conditions. Advanced modeling of protein sequence and biophysical properties (such as structural, functional, and spatial information, amino acid conservation, physicochemical variation, residue mobility, and thermodynamic stability) performed at Invitae indicates that this missense variant is not expected to disrupt LAMA2 protein function. In summary, the available evidence is currently insufficient to determine the role of this variant in disease. Therefore, it has been classified as a Variant of Uncertain Significance.